The following is an entry in ClinVar:

NM_138477.4(CDAN1):c.3383C>T (p.Pro1128Leu)

Gene: CDAN1 (codanin 1; minus strand). Cytogenetic location: 15q15.2.
Variant type: single nucleotide variant.
Coding change: c.3383C>T on transcript NM_138477.4 (MANE Select); coding-DNA position 3383, C replaced by T.
Protein change: p.Pro1128Leu; replaces proline 1128 with leucine.
Molecular consequence: missense variant.
Genome position (GRCh38, 1-based): chr15:42,725,556, G>A on the plus strand (C>T on the coding strand, the complement: CDAN1 is on the minus strand). VCF-style: chr15-42725556-G-A. GRCh37 (hg19) VCF-style: chr15-43017754-G-A.
Other names: short protein forms P1128L.
Identifiers: ClinVar variation 1493242 (VCV001493242.6), dbSNP rs752497862, ClinGen allele CA7515161.
Genomic context (GRCh38, chr15:42,725,556, plus strand): 5'-GGCCTTGTGTCTGCCAGAAGCCCCACATTTCTTGGGCTCAGCAGCAGCTGCAGCGGAACC[G>A]GCCCCTGAAAGTCTTCCTTCCACAAGGAAAGCAGCATGTGCAGAAGCCTTCGAGCCTGCC-3'
Protein context (NP_612486.2, residues 1118-1138): LSLWKEDFQG[Pro1128Leu]VPLQLLLSPR

ClinVar aggregate classification (germline): Uncertain significance. Review status: criteria provided, multiple submitters, no conflicts (2 of 4 stars). 2 submissions from 2 submitters: Uncertain significance (2). Last evaluated 2024-10-25.

Conditions:
Anemia, congenital dyserythropoietic, type 1a (CDAN1A). Also called: DYSERYTHROPOIETIC ANEMIA, CONGENITAL, TYPE Ia; CDAN1-Related Congenital Dyserythropoietic Anemia. Identifiers: MedGen C5574667, MONDO:0009135, OMIM 224120.

Allele frequency attached by ClinVar (database versions not stated): TOPMed 0.00002; gnomAD 0.00003 and 0.00004; gnomAD exomes 0.00005 and 0.00006; ExAC 0.00006.
gnomAD v4.1: 83 of 1,614,050 alleles (0.0051%); highest among the groups gnomAD compares: Middle Eastern, 0.016%; no homozygotes.

Submissions (2):

Labcorp Genetics (formerly Invitae), Labcorp
Classification: Uncertain significance. Last evaluated: 2024-10-25. Review status: criteria provided, single submitter. Criteria: Invitae Variant Classification Sherloc (09022015). Collection method: clinical testing. Allele origin: germline.
Comment: This sequence change replaces proline, which is neutral and non-polar, with leucine, which is neutral and non-polar, at codon 1128 of the CDAN1 protein (p.Pro1128Leu). This variant is present in population databases (rs752497862, gnomAD 0.02%). This variant has not been reported in the literature in individuals affected with CDAN1-related conditions. ClinVar contains an entry for this variant (Variation ID: 1493242). An algorithm developed to predict the effect of missense changes on protein structure and function (PolyPhen-2) suggests that this variant is likely to be disruptive. In summary, the available evidence is currently insufficient to determine the role of this variant in disease. Therefore, it has been classified as a Variant of Uncertain Significance.

Revvity Omics, Revvity
Classification: Uncertain significance for Anemia, congenital dyserythropoietic, type 1a. Last evaluated: 2024-08-01. Review status: criteria provided, single submitter. Criteria: ACMG Guidelines, 2015. Collection method: clinical testing. Allele origin: germline.